The following is an entry in ClinVar:

ClinVar aggregate classification (germline): Pathogenic/Likely pathogenic. Review status: criteria provided, multiple submitters, no conflicts (2 of 4 stars). 20 submissions from 20 submitters: Pathogenic (15); Likely pathogenic (3). 2 of the submissions do not count toward it. Last evaluated 2025-09-02.

Conditions:
RNASEH2C-related disorder. Also called: RNASEH2C-related condition.
Aicardi Goutieres syndrome (AGS). Also called: Encephalopathy, familial infantile, with calcification of basal ganglia and chronic cerebrospinal fluid lymphocytosis. Identifiers: Orphanet 51, MedGen C0393591, MONDO:0018866.
Abnormality of the nervous system. Also called: Congenital nervous system disorder. Identifiers: MedGen C0497552, MONDO:0002320, HP:0000707.
Aicardi-Goutieres syndrome 3. Identifiers: Orphanet 51, MedGen C1835916, MONDO:0012471, OMIM 610329.

Allele frequency attached by ClinVar (database versions not stated): TOPMed below 0.00001; gnomAD exomes 0.00004 and 0.00009; gnomAD below 0.00001 and 0.00002; ExAC 0.00009.

Submissions 1 to 12 of 20:

Labcorp Genetics (formerly Invitae), Labcorp
Classification: Pathogenic for Aicardi-Goutieres syndrome 3. Last evaluated: 2025-09-02. Review status: criteria provided, single submitter. Criteria: Invitae Variant Classification Sherloc (09022015). Collection method: clinical testing. Allele origin: germline.
Comment: This sequence change replaces arginine, which is basic and polar, with tryptophan, which is neutral and slightly polar, at codon 69 of the RNASEH2C protein (p.Arg69Trp). This variant is present in population databases (rs78635798, gnomAD 0.07%). This missense change has been observed in individuals with Aicardi-Goutieres syndrome (PMID: 16845400, 23322642, 29150899, 29239743). It has also been observed to segregate with disease in related individuals. ClinVar contains an entry for this variant (Variation ID: 1260). An algorithm developed to predict the effect of missense changes on protein structure and function (PolyPhen-2) suggests that this variant is likely to be disruptive. Experimental studies are conflicting or provide insufficient evidence to determine the effect of this variant on RNASEH2C function (PMID: 19015152, 19034401, 31529068). For these reasons, this variant has been classified as Pathogenic.

Genetics and Genomic Medicine Centre, NeuroGen Healthcare, NeuroGen Healthcare
Classification: Likely pathogenic for Aicardi-Goutieres syndrome 3. Last evaluated: 2025-08-27. Review status: criteria provided, single submitter. Criteria: ACMG Guidelines, 2015. Collection method: clinical testing. Allele origin: unknown. Affected: no.

3billion
Classification: Pathogenic for Aicardi-Goutieres syndrome 3. Last evaluated: 2025-07-25. Review status: criteria provided, single submitter. Criteria: ACMG Guidelines, 2015. Collection method: clinical testing. Allele origin: germline. Affected: yes.
Comment: The variant is observed at an extremely low frequency in the gnomAD v4.1.0 dataset (total allele frequency: 0.004%). Predicted Consequence/Location: Missense variant Functional studies provide moderate evidence of the variant having a damaging effect on the gene or gene product (PMID: 19015152, 21177854). In silico tool predictions suggest damaging effect of the variant on gene or gene product [REVEL: 0.71 (>=0.6, sensitivity 0.68 and specificity 0.92); 3Cnet: 0.93 (> 0.75, sensitivity 0.96 and precision 0.92)]. The same nucleotide change resulting in the same amino acid change has been previously reported as pathogenic/likely pathogenic with strong evidence (ClinVar ID: VCV000001260 /PMID: 16845400 /3billion dataset). Therefore, this variant is classified as Pathogenic according to the recommendation of ACMG/AMP guideline.

Revvity Omics, Revvity
Classification: Pathogenic for Aicardi-Goutieres syndrome 3. Last evaluated: 2025-06-16. Review status: criteria provided, single submitter. Criteria: ACMG Guidelines, 2015. Collection method: clinical testing. Allele origin: germline.

First Genomix Gene Laboratory, Genetic Diagnostics Department
Classification: Pathogenic for Aicardi-Goutieres syndrome 3. Last evaluated: 2025-06-04. Review status: criteria provided, single submitter. Criteria: ACMG Guidelines, 2015. Collection method: clinical testing. Allele origin: germline. Inheritance: Autosomal recessive inheritance. Affected: no. Observed: 1 variant allele.

Kasturba Medical College, Manipal, Kasturba Medical College, Manipal, Manipal Academy of Higher Education, Manipal, India
Classification: Pathogenic for Aicardi-Goutieres syndrome 3. Last evaluated: 2024-11-11. Review status: criteria provided, single submitter. Criteria: ACMG Guidelines, 2015. Collection method: clinical testing. Allele origin: inherited. Inheritance: Autosomal recessive inheritance. Affected: yes. Observed: 3 variant alleles.
Comment: A known variant, c.205C>T in exon 2 of RNASEH2C was observed in a homozygous state in proband (ClinVar ID: 1260) (Hebbar et al., 2018). This variant is observed in 61 individuals in the gnomAD population database (v4.1.0) (Allele frequency: 0.00003968) and in four individuals in our in-house database of 3267 individuals in a heterozygous state. The variant c.205C>T in a homozygous state was seen in five individuals in our in-house data with AicardiGoutieres syndrome 3 (Hebbar et al., 2018).

Dubai Health Genomic Medicine Center, Dubai Health
Classification: Pathogenic for Aicardi-Goutieres syndrome 3. Last evaluated: 2024-10-04. Review status: criteria provided, single submitter. Criteria: ACMG Guidelines, 2015. Collection method: research. Allele origin: germline. Affected: yes.
Comment: PS3,PM3 (strong), PP3,PM2

Blueprint Genetics
Classification: Pathogenic for RNASEH2C-related disorders. Last evaluated: 2024-05-13. Review status: criteria provided, single submitter. Criteria: ACMG Guidelines, 2015. Collection method: clinical testing. Allele origin: germline. Affected: yes. Observed: 5 variant alleles.

Fulgent Genetics
Classification: Pathogenic for Aicardi-Goutieres syndrome 3. Last evaluated: 2024-03-20. Review status: criteria provided, single submitter. Criteria: ACMG Guidelines, 2015. Collection method: clinical testing. Allele origin: germline.

Victorian Clinical Genetics Services, Murdoch Childrens Research Institute
Classification: Pathogenic for Aicardi-Goutieres syndrome 3. Last evaluated: 2022-09-02. Review status: criteria provided, single submitter. Criteria: ACMG Guidelines, 2015. Collection method: clinical testing. Allele origin: germline. Inheritance: Autosomal recessive inheritance. Affected: yes.
Comment: Based on the classification scheme VCGS_Germline_v1.3.4, this variant is classified as Pathogenic. Following criteria are met: 0102 - Loss of function is a known mechanism of disease in this gene and is associated with Aicardi-Goutieres syndrome 3 (MIM#610329). (I) 0106 - This gene is associated with autosomal recessive disease. (I) 0200 - Variant is predicted to result in a missense amino acid change from arginine to tryptophan. (I) 0251 - This variant is heterozygous. (I) 0304 - Variant is present in gnomAD <0.01 for a recessive condition (v2) (23 heterozygotes, 0 homozygotes). (SP) 0501 - Missense variant consistently predicted to be damaging by multiple in silico tools or highly conserved with a major amino acid change. (SP) 0600 - Variant is located in the annotated ribonuclease H2 non-catalytic subunit (DECIPHER). (I) 0801 - This variant has strong previous evidence of pathogenicity. It has been reported in more than 30 patients in a homozygous state and is likely a founder mutation in the South Asian population (ClinVar, PMIDs: 17846997, 20131292, 29150899). (SP) 1002 - This variant has moderate functional evidence supporting abnormal protein function. This variant causes a decrease in RNase enzyme activity and stability (PMIDs: 19015152, 31529068). (SP) 1101 - Very strong and specific phenotype match for this individual. (I) Legend: (SP) - Supporting pathogenic, (I) - Information, (SB) - Supporting benign

Women's Health and Genetics/Laboratory Corporation of America, LabCorp
Classification: Pathogenic for Aicardi Goutieres syndrome. Last evaluated: 2022-05-26. Review status: criteria provided, single submitter. Criteria: LabCorp Variant Classification Summary - May 2015. Collection method: clinical testing. Allele origin: germline.
Comment: Variant summary: RNASEH2C c.205C>T (p.Arg69Trp) results in a non-conservative amino acid change in the encoded protein sequence. Five of five in-silico tools predict a damaging effect of the variant on protein function. The variant allele was found at a frequency of 9.2e-05 in 250836 control chromosomes, predominantly at a frequency of 0.00072 within the South Asian subpopulation in the gnomAD database. c.205C>T has been reported in the literature as a homozygous genotype in multiple individuals affected with Aicardi Goutieres Syndrome and is reported as a frequent founder mutation of Asian origin (example, Rice_2007, Vogt_2013, Kaur_2021). These data indicate that the variant is very likely to be associated with disease. At least one publication reports experimental evidence evaluating an impact on protein function, however, does not allow convincing conclusions about the variant effect (Nishimura_2019). Nine clinical diagnostic laboratories have submitted clinical-significance assessments for this variant to ClinVar after 2014 without evidence for independent evaluation. All laboratories classified the variant as pathogenic/likely pathogenic. Based on the evidence outlined above, the variant was classified as pathogenic.

Foundation for Research in Genetics and Endocrinology, FRIGE's Institute of Human Genetics
Classification: Pathogenic for Aicardi-Goutieres syndrome 3. Last evaluated: 2022-02-04. Review status: criteria provided, single submitter. Criteria: ACMG Guidelines, 2015. Collection method: clinical testing. Allele origin: germline. Inheritance: Autosomal recessive inheritance. Affected: yes. Observed: 1 homozygote.
Comment: A homozygous missense variation in exon 2 of the RNASEH2C gene that results in the amino acid substitution of Valine for Arginine at codon 69 was detected. The observed variant c.205C>T (p.Arg69Trp) has not been reported in the 1000 genomes and ExAC databases. The in silico prediction of the variant are possibly damaging by PolyPhen-2 (HumDiv) and damaging by LRT and MutationTaster2. The reference codon is conserved across species. In summary, the variant meets our criteria to be classified as pathogenic.

NM_032193.4(RNASEH2C):c.205C>T (p.Arg69Trp)

Gene: RNASEH2C (ribonuclease H2 subunit C; minus strand). Cytogenetic location: 11q13.1.
Variant type: single nucleotide variant.
Coding change: c.205C>T on transcript NM_032193.4 (MANE Select); coding-DNA position 205, C replaced by T.
Protein change: p.Arg69Trp; replaces arginine 69 with tryptophan.
Molecular consequence: missense variant.
Genome position (GRCh38, 1-based): chr11:65,720,385, G>A on the plus strand (C>T on the coding strand, the complement: RNASEH2C is on the minus strand). VCF-style: chr11-65720385-G-A. GRCh37 (hg19) VCF-style: chr11-65487856-G-A.
Other names: NM_032193.3(RNASEH2C):c.205C>T(p.Arg69Trp); p.Arg69TrP; short protein forms R69W.
Identifiers: ClinVar variation 1260 (VCV000001260.62), dbSNP rs78635798, ClinGen allele CA251720.